The following is an entry in ClinVar:

ClinVar aggregate classification (germline): Uncertain significance (1 of 4 stars; one submission).

Conditions:
Deficiency of alpha-mannosidase (MANSA). Also called: Alpha-Mannosidosis; Mannosidosis, alpha-, types I and II; LYSOSOMAL ALPHA-D-MANNOSIDASE DEFICIENCY. Identifiers: Orphanet 61, MedGen C0024748, MONDO:0009561, OMIM 248500.

Submission:

Labcorp Genetics (formerly Invitae), Labcorp
Classification: Uncertain significance for Deficiency of alpha-mannosidase. Last evaluated: 2021-11-27. Review status: criteria provided, single submitter. Criteria: Invitae Variant Classification Sherloc (09022015). Collection method: clinical testing. Allele origin: germline.
Comment: This sequence change replaces aspartic acid, which is acidic and polar, with histidine, which is basic and polar, at codon 319 of the MAN2B1 protein (p.Asp319His). This variant is not present in population databases (gnomAD no frequency). This variant has not been reported in the literature in individuals affected with MAN2B1-related conditions. Algorithms developed to predict the effect of missense changes on protein structure and function (SIFT, PolyPhen-2, Align-GVGD) all suggest that this variant is likely to be disruptive. In summary, the available evidence is currently insufficient to determine the role of this variant in disease. Therefore, it has been classified as a Variant of Uncertain Significance.

NM_000528.4(MAN2B1):c.955G>C (p.Asp319His)

Gene: MAN2B1 (mannosidase alpha class 2B member 1; minus strand). Cytogenetic location: 19p13.13.
Variant type: single nucleotide variant.
Coding change: c.955G>C on transcript NM_000528.4 (MANE Select); coding-DNA position 955, G replaced by C.
Protein change: p.Asp319His; replaces aspartic acid 319 with histidine.
Molecular consequence: missense variant.
Genome position (GRCh38, 1-based): chr19:12,661,331, C>G on the plus strand (G>C on the coding strand, the complement: MAN2B1 is on the minus strand). VCF-style: chr19-12661331-C-G. GRCh37 (hg19) VCF-style: chr19-12772145-C-G.
Other names: c.955G>C, p.Asp319His (NM_001173498.2); short protein forms D319H.
Identifiers: ClinVar variation 1434554 (VCV001434554.6), dbSNP rs1251243232, ClinGen allele CA404250531.